The following is an entry in ClinVar:

NM_000548.5(TSC2):c.1724T>G (p.Leu575Arg)

Gene: TSC2 (TSC complex subunit 2; plus strand). Cytogenetic location: 16p13.3.
Variant type: single nucleotide variant.
Coding change: c.1724T>G on transcript NM_000548.5 (MANE Select); coding-DNA position 1724, T replaced by G.
Protein change: p.Leu575Arg; replaces leucine 575 with arginine.
Molecular consequence: missense variant.
Genome position (GRCh38, 1-based): chr16:2,070,463, T>G. VCF-style: chr16-2070463-T-G. GRCh37 (hg19) VCF-style: chr16-2120464-T-G.
Other names: c.1724T>G, p.Leu575Arg (NM_001077183.3, NM_001114382.3, NM_021055.3 and 6 more transcripts); c.1613T>G, p.Leu538Arg (NM_001318827.2, NM_001406678.1, NM_001406670.1); c.1577T>G, p.Leu526Arg (NM_001318829.2, NM_001406675.1, NM_001406676.1 and 1 more transcripts); c.1124T>G, p.Leu375Arg (NM_001318831.2, NM_001406680.1, NM_001406682.1 and 6 more transcripts); c.1712T>G, p.Leu571Arg (NM_001406671.1, NM_001406673.1); c.1667T>G, p.Leu556Arg (NM_001406677.1); c.380T>G, p.Leu127Arg (NM_001406694.1, NM_001406695.1, NM_001406692.1 and 6 more transcripts); c.1262T>G, p.Leu421Arg (NM_001406681.1); and 3 more; short protein forms L127R, L421R, L586R, L41R, L556R, L571R, L575R, L375R.
Identifiers: ClinVar variation 1778838 (VCV001778838.7), dbSNP rs1567456901, ClinGen allele CA394272665.
Genomic context (GRCh38, chr16:2,070,463, plus strand): 5'-AGGACTGCGTTTTCACCTCCTGCGCCGTGGTGAGCTGCGTCCTCTCTCTGCAGACCAAGC[T>G]GTACACCCTGCCTGCAAGCCACGCCACGCGTGTGTATGAGATGCTGGTCAGCCACATTCA-3'
Protein context (NP_000539.2, residues 565-585): LGLLVILQTK[Leu575Arg]YTLPASHATR

ClinVar aggregate classification (germline): Conflicting classifications of pathogenicity. Review status: criteria provided, conflicting classifications (1 of 4 stars). 2 submissions from 2 submitters: Likely pathogenic (1); Uncertain significance (1). Last evaluated 2022-02-20.

Conditions:
Hereditary cancer-predisposing syndrome. Also called: Tumor predisposition; Neoplastic Syndromes, Hereditary; Hereditary Cancer Syndrome; Hereditary neoplastic syndrome. Identifiers: Orphanet 140162, MedGen C0027672, MeSH D009386, MONDO:0015356.
Tuberous sclerosis 2 (TSC2). Identifiers: Orphanet 805, MedGen C1860707, MONDO:0013199, OMIM 613254.

Submissions (2):

Labcorp Genetics (formerly Invitae), Labcorp
Classification: Uncertain significance for Tuberous sclerosis 2. Last evaluated: 2022-02-20. Review status: criteria provided, single submitter. Criteria: Invitae Variant Classification Sherloc (09022015). Collection method: clinical testing. Allele origin: germline.
Comment: This sequence change replaces leucine, which is neutral and non-polar, with arginine, which is basic and polar, at codon 575 of the TSC2 protein (p.Leu575Arg). This variant is not present in population databases (gnomAD no frequency). This missense change has been observed in individual(s) with clinical features of tuberous sclerosis complex (Invitae). Advanced modeling of protein sequence and biophysical properties (such as structural, functional, and spatial information, amino acid conservation, physicochemical variation, residue mobility, and thermodynamic stability) performed at Invitae indicates that this missense variant is expected to disrupt TSC2 protein function. In summary, the available evidence is currently insufficient to determine the role of this variant in disease. Therefore, it has been classified as a Variant of Uncertain Significance.

Ambry Genetics
Classification: Likely pathogenic for Hereditary cancer-predisposing syndrome. Last evaluated: 2019-02-01. Review status: criteria provided, single submitter. Criteria: Ambry Variant Classification Scheme 2023. Collection method: clinical testing. Allele origin: germline.
Comment: The p.L575R variant (also known as c.1724T>G), located in coding exon 16 of the TSC2 gene, results from a T to G substitution at nucleotide position 1724. The leucine at codon 575 is replaced by arginine, an amino acid with dissimilar properties. This amino acid position is highly conserved in available vertebrate species. In addition, this alteration is predicted to be deleterious by in silico analysis. This alteration has been observed in at least one individual who has a personal or family history that is consistent with TSC2-associated disease and was observed to segregate with disease (Ambry internal data). Based on the majority of available evidence to date, this variant is likely to be pathogenic.